The following is an entry in ClinVar:

NM_001853.4(COL9A3):c.1754C>T (p.Pro585Leu)

Gene: COL9A3 (collagen type IX alpha 3 chain; plus strand). Cytogenetic location: 20q13.33.
Variant type: single nucleotide variant.
Coding change: c.1754C>T on transcript NM_001853.4 (MANE Select); coding-DNA position 1754, C replaced by T.
Protein change: p.Pro585Leu; replaces proline 585 with leucine.
Molecular consequence: missense variant.
Genome position (GRCh38, 1-based): chr20:62,837,233, C>T. VCF-style: chr20-62837233-C-T. GRCh37 (hg19) VCF-style: chr20-61468585-C-T.
Other names: short protein forms P585L.
Identifiers: ClinVar variation 2040432 (VCV002040432.4), dbSNP rs2516089879, ClinGen allele CA409599605.

ClinVar aggregate classification (germline): Uncertain significance (1 of 4 stars; one submission).

Submission:

Labcorp Genetics (formerly Invitae), Labcorp
Classification: Uncertain significance. Last evaluated: 2022-02-16. Review status: criteria provided, single submitter. Criteria: Invitae Variant Classification Sherloc (09022015). Collection method: clinical testing. Allele origin: germline.
Comment: In summary, the available evidence is currently insufficient to determine the role of this variant in disease. Therefore, it has been classified as a Variant of Uncertain Significance. Advanced modeling of protein sequence and biophysical properties (such as structural, functional, and spatial information, amino acid conservation, physicochemical variation, residue mobility, and thermodynamic stability) performed at Invitae indicates that this missense variant is not expected to disrupt COL9A3 protein function. This variant has not been reported in the literature in individuals affected with COL9A3-related conditions. This variant is not present in population databases (gnomAD no frequency). This sequence change replaces proline, which is neutral and non-polar, with leucine, which is neutral and non-polar, at codon 585 of the COL9A3 protein (p.Pro585Leu).